The following is an entry in ClinVar:

NM_000384.3(APOB):c.13679C>A (p.Thr4560Asn)

Genes: APOB (apolipoprotein B; minus strand), APOB3'MAR (APOB 3' scaffold/matrix attachment region; plus strand). Cytogenetic location: 2p24.1.
Variant type: single nucleotide variant.
Coding change: c.13679C>A on transcript NM_000384.3 (MANE Select); coding-DNA position 13679, C replaced by A.
Protein change: p.Thr4560Asn; replaces threonine 4560 with asparagine.
Molecular consequence: missense variant.
Genome position (GRCh38, 1-based): chr2:21,001,743, G>T on the plus strand (C>A on the coding strand, the complement: APOB is on the minus strand). VCF-style: chr2-21001743-G-T. GRCh37 (hg19) VCF-style: chr2-21224615-G-T.
Other names: c.13679C>A (NM_000384.2); short protein forms T4560N.
Identifiers: ClinVar variation 2923518 (VCV002923518.4), dbSNP rs749915303, ClinGen allele CA053475.

ClinVar aggregate classification (germline): Conflicting classifications of pathogenicity. Review status: criteria provided, conflicting classifications (1 of 4 stars). 2 submissions from 2 submitters: Uncertain significance (1); Likely benign (1). Last evaluated 2026-08-10.

Conditions:
Familial hypobetalipoproteinemia 1. Also called: APOB-Related Familial Hypobetalipoproteinemia; Hypobetalipoproteinemia, normotriglyceridemic; Acanthocytosis with hypobetalipoproteinemia. Identifiers: MedGen C4551990, MONDO:0014252, OMIM 615558.
Hypercholesterolemia, autosomal dominant, type B (FHCL2). Also called: Familial hypercholesterolemia 2; Hyperlipoproteinemia Type IIb; Familial Hypercholesterolemia Type B; APOB-Related Familial Hypercholesterolemia, Autosomal Dominant; APOLIPOPROTEIN B-100, FAMILIAL DEFECTIVE; APOLIPOPROTEIN B-100, FAMILIAL LIGAND-DEFECTIVE. Identifiers: MedGen C1704417, MONDO:0007751, OMIM 144010.
Cardiovascular phenotype. Identifiers: MedGen CN230736.

Allele frequency attached by ClinVar (database versions not stated): ExAC 0.00001.
gnomAD v4.1: 6 of 1,613,732 alleles (0.00037%); highest among the groups gnomAD compares: South Asian, 0.0066%; no homozygotes.

Submissions (2):

Ambry Genetics
Classification: Uncertain significance for Cardiovascular phenotype. Last evaluated: 2026-08-10. Review status: criteria provided, single submitter. Criteria: Ambry Variant Classification Scheme 2023. Collection method: clinical testing. Allele origin: germline.
Comment: The p.T4560N variant (also known as c.13679C>A), located in coding exon 29 of the APOB gene, results from a C to A substitution at nucleotide position 13679. The threonine at codon 4560 is replaced by asparagine, an amino acid with similar properties. This amino acid position is conserved. In addition, this alteration is predicted to be tolerated by in silico analysis. Based on the available evidence, the clinical significance of this variant remains unclear.

Labcorp Genetics (formerly Invitae), Labcorp
Classification: Likely benign for Familial hypobetalipoproteinemia 1; Hypercholesterolemia, autosomal dominant, type B. Last evaluated: 2022-12-22. Review status: criteria provided, single submitter. Criteria: Invitae Variant Classification Sherloc (09022015). Collection method: clinical testing. Allele origin: germline.